The following is an entry in ClinVar:

NM_001113378.2(FANCI):c.886G>A (p.Gly296Arg)

Gene: FANCI (FA complementation group I; plus strand). Cytogenetic location: 15q26.1.
Variant type: single nucleotide variant.
Coding change: c.886G>A on transcript NM_001113378.2 (MANE Select); coding-DNA position 886, G replaced by A.
Protein change: p.Gly296Arg; replaces glycine 296 with arginine.
Molecular consequence: missense variant.
Genome position (GRCh38, 1-based): chr15:89,273,380, G>A. VCF-style: chr15-89273380-G-A. GRCh37 (hg19) VCF-style: chr15-89816611-G-A.
Other names: c.607G>A, p.Gly203Arg (NM_001376910.1); c.886G>A, p.Gly296Arg (NM_001376911.1, NM_018193.3); short protein forms G296R, G203R.
Identifiers: ClinVar variation 3673332 (VCV003673332.2).

ClinVar aggregate classification (germline): Uncertain significance (1 of 4 stars; one submission).

Conditions:
Fanconi anemia (FA). Also called: Fanconi's anemia. Identifiers: Orphanet 84, MedGen C0015625, MeSH D005199, MONDO:0019391.

Submission:

Labcorp Genetics (formerly Invitae), Labcorp
Classification: Uncertain significance for Fanconi anemia. Last evaluated: 2024-02-02. Review status: criteria provided, single submitter. Criteria: Invitae Variant Classification Sherloc (09022015). Collection method: clinical testing. Allele origin: germline.
Comment: This sequence change replaces glycine, which is neutral and non-polar, with arginine, which is basic and polar, at codon 296 of the FANCI protein (p.Gly296Arg). This variant is not present in population databases (gnomAD no frequency). This variant has not been reported in the literature in individuals affected with FANCI-related conditions. Advanced modeling of protein sequence and biophysical properties (such as structural, functional, and spatial information, amino acid conservation, physicochemical variation, residue mobility, and thermodynamic stability) performed at Invitae indicates that this missense variant is not expected to disrupt FANCI protein function with a negative predictive value of 80%. In summary, the available evidence is currently insufficient to determine the role of this variant in disease. Therefore, it has been classified as a Variant of Uncertain Significance.